The following is an entry in ClinVar:

ClinVar aggregate classification (germline): Uncertain significance (1 of 4 stars; one submission).

gnomAD v4.1: 2 of 1,613,522 alleles (0.00012%); highest among the groups gnomAD compares: East Asian, 0.0045%; no homozygotes.

Submission:

GeneDx
Classification: Uncertain significance. Last evaluated: 2022-02-12. Review status: criteria provided, single submitter. Criteria: GeneDx Variant Classification Process June 2021. Collection method: clinical testing. Allele origin: germline. Affected: yes.
Comment: Not observed at significant frequency in large population cohorts (gnomAD); In silico analysis supports that this missense variant does not alter protein structure/function; Has not been previously published as pathogenic or benign to our knowledge

NM_001395656.1(ROBO2):c.2646A>G (p.Ile882Met)

Gene: ROBO2 (roundabout guidance receptor 2; plus strand). Cytogenetic location: 3p12.3.
Variant type: single nucleotide variant.
Coding change: c.2646A>G on transcript NM_001395656.1 (MANE Select); coding-DNA position 2646, A replaced by G.
Protein change: p.Ile882Met; replaces isoleucine 882 with methionine.
Molecular consequence: missense variant.
Genome position (GRCh38, 1-based): chr3:77,588,884, A>G. VCF-style: chr3-77588884-A-G. GRCh37 (hg19) VCF-style: chr3-77638035-A-G.
Other names: c.2682A>G, p.Ile894Met (NM_001128929.3); c.2646A>G, p.Ile882Met (NM_001290039.2, NM_001290040.2, NM_001378202.1); c.855A>G, p.Ile285Met (NM_001290065.2); c.2694A>G, p.Ile898Met (NM_001378190.1, NM_001378191.1, NM_001378195.1 and 4 more transcripts); c.2715A>G, p.Ile905Met (NM_001378192.1, NM_001378194.1, NM_001378198.1 and 2 more transcripts); c.2634A>G, p.Ile878Met (NM_001378193.1, NM_001378197.1, NM_002942.5); c.2703A>G, p.Ile901Met (NM_001394212.1, NM_001394214.1, NM_001395657.1); short protein forms I285M, I878M, I882M, I894M, I898M, I901M, I905M.
Identifiers: ClinVar variation 1700763 (VCV001700763.2), dbSNP rs2153683650, ClinGen allele CA353524782.